The following is an entry in ClinVar:

NM_000135.4(FANCA):c.946C>G (p.Leu316Val)

Gene: FANCA (FA complementation group A; minus strand). Cytogenetic location: 16q24.3.
Variant type: single nucleotide variant.
Coding change: c.946C>G on transcript NM_000135.4 (MANE Select); coding-DNA position 946, C replaced by G.
Protein change: p.Leu316Val; replaces leucine 316 with valine.
Molecular consequence: missense variant.
Genome position (GRCh38, 1-based): chr16:89,795,966, G>C on the plus strand (C>G on the coding strand, the complement: FANCA is on the minus strand). VCF-style: chr16-89795966-G-C. GRCh37 (hg19) VCF-style: chr16-89862374-G-C.
Other names: c.946C>G, p.Leu316Val (NM_001286167.3); short protein forms L316V.
Identifiers: ClinVar variation 3848268 (VCV003848268.1).

ClinVar aggregate classification (germline): Uncertain significance (1 of 4 stars; one submission).

Conditions:
Inborn genetic diseases. Identifiers: MedGen C0950123, MeSH D030342.

gnomAD v4.1: 2 of 1,614,086 alleles (0.00012%); highest among the groups gnomAD compares: Non-Finnish European, 0.00017%; no homozygotes.

Submission:

Ambry Genetics
Classification: Uncertain significance for Inborn genetic diseases. Last evaluated: 2025-02-26. Review status: criteria provided, single submitter. Criteria: Ambry Variant Classification Scheme 2023. Collection method: clinical testing. Allele origin: germline.
Comment: The p.L316V variant (also known as c.946C>G), located in coding exon 11 of the FANCA gene, results from a C to G substitution at nucleotide position 946. The leucine at codon 316 is replaced by valine, an amino acid with highly similar properties. This amino acid position is conserved. In addition, this alteration is predicted to be tolerated by in silico analysis. Based on the available evidence, the clinical significance of this variant remains unclear.